The following is an entry in ClinVar:

ClinVar aggregate classification (germline): Uncertain significance (1 of 4 stars; one submission).

Conditions:
Basal cell nevus syndrome 1 (BCNS1). Also called: GORLIN-GOLTZ SYNDROME; MULTIPLE BASAL CELL NEVI, ODONTOGENIC KERATOCYSTS, AND SKELETAL ANOMALIES. Identifiers: MedGen CN376810, MONDO:0958174, OMIM 109400.

Submission:

MVZ Medizinische Genetik Mainz
Classification: Uncertain significance for Basal cell nevus syndrome 1. Last evaluated: 2025-09-12. Review status: criteria provided, single submitter. Criteria: UK Practice Guidelines For Variant Classification V4 01 2020. Collection method: clinical testing. Allele origin: germline. Inheritance: Autosomal dominant inheritance. Affected: yes. Observed: 1 variant allele.
Comment: ACMG Criteria: PM2_SUP_MOD,PP3

NM_000264.5(PTCH1):c.1303T>C (p.Ser435Pro)

Gene: PTCH1 (patched 1; minus strand). Cytogenetic location: 9q22.32.
Variant type: single nucleotide variant.
Coding change: c.1303T>C on transcript NM_000264.5 (MANE Select); coding-DNA position 1303, T replaced by C.
Protein change: p.Ser435Pro; replaces serine 435 with proline.
Molecular consequence: missense variant. On other transcripts: non-coding transcript variant (1).
Genome position (GRCh38, 1-based): chr9:95,478,099, A>G on the plus strand (T>C on the coding strand, the complement: PTCH1 is on the minus strand). VCF-style: chr9-95478099-A-G. GRCh37 (hg19) VCF-style: chr9-98240381-A-G.
Other names: c.1105T>C, p.Ser369Pro (NM_001083602.3); c.1300T>C, p.Ser434Pro (NM_001083603.3); c.850T>C, p.Ser284Pro (NM_001083604.3, NM_001083605.3, NM_001083606.3 and 1 more transcripts); c.1303T>C, p.Ser435Pro (NM_001354918.2); short protein forms S284P, S369P, S434P, S435P.
Identifiers: ClinVar variation 4277265 (VCV004277265.1).
Genomic context (GRCh38, chr9:95,478,099, plus strand): 5'-TGGCATCGAGCGTTACCATGAGTAAGTAGCCGCTGGCCACGCGGATGACACTGACGTCAG[A>G]GAAGGATTTCAGGATGTCGTCCAGGGTCGTGGTGGTGAAGGAAAGCACCTTTTGAGTGGA-3'
Protein context (NP_000255.2, residues 425-445): TTLDDILKSF[Ser435Pro]DVSVIRVASG